The following is an entry in ClinVar:

NM_032119.4(ADGRV1):c.8824+1del

Gene: ADGRV1 (adhesion G protein-coupled receptor V1; plus strand). Cytogenetic location: 5q14.3.
Variant type: Deletion.
Coding change: c.8824+1del on transcript NM_032119.4 (MANE Select); the canonical splice donor site of the intron after coding-DNA position 8824, one base deleted (G; older notation c.8824+1delG).
Molecular consequence: splice donor variant.
Genome position (GRCh38, 1-based): chr5:90,708,910, G deleted; the last of 2 consecutive G bases (chr5:90,708,909-90,708,910); deleting either gives the same sequence. VCF-style (leftmost placement, unchanged base first): chr5-90708908-AG-A. GRCh37 (hg19) VCF-style: chr5-90004725-AG-A.
Identifiers: ClinVar variation 4532007 (VCV004532007.2).
Genomic context (GRCh38, chr5:90,708,908, plus strand): 5'-GGTGAATTTAACTTACGTTGGACTTACCATGGCTGCTTCAACTTCATTTCCTCCCAGACT[AG>A]GTATGAGGGGTTTCTTGTTTGTTTCTTTTTGCTCACTTCAAATGAAATGAAGAAACTTCA-3'

ClinVar aggregate classification (germline): Pathogenic/Likely pathogenic. Review status: criteria provided, multiple submitters, no conflicts (2 of 4 stars). 2 submissions from 2 submitters: Pathogenic (1); Likely pathogenic (1). Last evaluated 2026-05-12.

Conditions:
Usher syndrome type 2C. Also called: Usher syndrome, type 2B; USHER SYNDROME, TYPE IIC. Identifiers: Orphanet 231178, Orphanet 886, MedGen C2931213, MONDO:0011558, OMIM 605472.
Monogenic hearing loss.

Submissions (2):

Genetics Laboratory, Great Ormond Street Hospital NHS Foundation Trust, North Thames Genomic Laboratory Hub
Classification: Pathogenic for Monogenic hearing loss. Last evaluated: 2026-05-12. Review status: criteria provided, single submitter. Criteria: ACGS Best Practice Guidelines for Variant Classification in Rare Disease 2024 v1.2. Collection method: clinical testing. Allele origin: germline. Affected: yes.
Comment: PM2_moderate, PVS1_very-strong, PS1_supporting, PM3_moderate

Victorian Clinical Genetics Services, Murdoch Childrens Research Institute
Classification: Likely pathogenic for Usher syndrome type 2C. Last evaluated: 2024-12-17. Review status: criteria provided, single submitter. Criteria: ACMG Guidelines, 2015. Collection method: clinical testing. Allele origin: germline.
Comment: This variant is classified as Likely pathogenic. Evidence in support of pathogenic classification: Canonical splice site variant without proven consequence on splicing (no functional evidence available); Variant is absent from gnomAD (v2, v3 and v4); Another splice site variant comparable to the one identified in this case has limited previous evidence for pathogenicity. c.8824+1G>A has been reported once as likely pathogenic (ClinVar); Abnormal splicing is predicted by in silico tool and affected nucleotide is highly conserved. Additional information: This variant is heterozygous; This gene is associated with autosomal recessive disease. The association between monoallelic variants and familial febrile seizures (MIM#604352) has not been established (PanelApp Australia); Multiple alternative nucleotide changes at the same canonical splice site have been observed in gnomAD (v4) (highest allele count: 2 heterozygote(s), 0 homozygotes)); This variant has no previous evidence of pathogenicity; No published segregation evidence has been identified for this variant; No published functional evidence has been identified for this variant; Loss of function is a known mechanism of disease in this gene and is associated with Usher syndrome, type 2C (MIM#605472).